The following is an entry in ClinVar:

ClinVar aggregate classification (germline): Uncertain significance (1 of 4 stars; one submission).

gnomAD v4.1: 1 of 1,613,586 alleles (0.000062%); highest among the groups gnomAD compares: Non-Finnish European, 0.000085%; no homozygotes.

Submission:

GeneDx
Classification: Uncertain significance. Last evaluated: 2024-02-21. Review status: criteria provided, single submitter. Criteria: GeneDx Variant Classification Process June 2021. Collection method: clinical testing. Allele origin: germline. Affected: yes.
Comment: Not observed at significant frequency in large population cohorts (gnomAD); In silico analysis supports that this missense variant does not alter protein structure/function; Has not been previously published as pathogenic or benign to our knowledge

NM_018026.4(PACS1):c.959C>T (p.Ser320Leu)

Gene: PACS1 (phosphofurin acidic cluster sorting protein 1; plus strand). Cytogenetic location: 11q13.2.
Variant type: single nucleotide variant.
Coding change: c.959C>T on transcript NM_018026.4 (MANE Select); coding-DNA position 959, C replaced by T.
Protein change: p.Ser320Leu; replaces serine 320 with leucine.
Molecular consequence: missense variant.
Genome position (GRCh38, 1-based): chr11:66,216,756, C>T. VCF-style: chr11-66216756-C-T. GRCh37 (hg19) VCF-style: chr11-65984227-C-T.
Other names: short protein forms S320L.
Identifiers: ClinVar variation 3369628 (VCV003369628.1).